The following is an entry in ClinVar:

ClinVar aggregate classification (germline): Uncertain significance (1 of 4 stars; one submission).

Conditions:
ADCY3-related disorder. Also called: ADCY3-related condition.

gnomAD v4.1: 3 of 1,614,174 alleles (0.00019%); highest among the groups gnomAD compares: Non-Finnish European, 0.00017%; no homozygotes.

Submission:

PreventionGenetics, part of Exact Sciences
Classification: Uncertain significance for ADCY3-related condition. Last evaluated: 2025-01-06. Review status: criteria provided, single submitter. Criteria: ACMG Guidelines, 2015. Collection method: clinical testing. Allele origin: germline.
Comment: The ADCY3 c.2248A>G variant is predicted to result in the amino acid substitution p.Asn750Asp. To our knowledge, this variant has not been reported in the literature. This variant is reported in 0.00088% of alleles in individuals of European (Non-Finnish) descent in gnomAD. At this time, the clinical significance of this variant is uncertain due to the absence of conclusive functional and genetic evidence.

NM_004036.5(ADCY3):c.2248A>G (p.Asn750Asp)

Gene: ADCY3 (adenylate cyclase 3; minus strand). Cytogenetic location: 2p23.3.
Variant type: single nucleotide variant.
Coding change: c.2248A>G on transcript NM_004036.5 (MANE Select); coding-DNA position 2248, A replaced by G.
Protein change: p.Asn750Asp; replaces asparagine 750 with aspartic acid.
Molecular consequence: missense variant. On other transcripts: intron variant (2).
Genome position (GRCh38, 1-based): chr2:24,828,086, T>C on the plus strand (A>G on the coding strand, the complement: ADCY3 is on the minus strand). VCF-style: chr2-24828086-T-C. GRCh37 (hg19) VCF-style: chr2-25050955-T-C.
Other names: c.2248A>G, p.Asn750Asp (NM_001320613.2, NM_001377132.1); c.2314A>G, p.Asn772Asp (NM_001377128.1); c.1525A>G, p.Asn509Asp (NM_001377131.1); c.2172+2623A>G (NM_001377130.1); c.2173-63A>G (NM_001377129.1); short protein forms N750D, N509D, N772D.
Identifiers: ClinVar variation 4997802 (VCV004997802.1).